The following is an entry in ClinVar:

ClinVar aggregate classification (germline): Likely benign (0 of 4 stars; one submission).

Conditions:
KDM5C-related disorder. Also called: KDM5C-related condition.

Submission:

PreventionGenetics, part of Exact Sciences
Classification: Likely benign for KDM5C-related condition. Last evaluated: 2024-02-08. Review status: no assertion criteria provided. Collection method: clinical testing. Allele origin: germline.
Comment: This variant is classified as likely benign based on ACMG/AMP sequence variant interpretation guidelines (Richards et al. 2015 PMID: 25741868, with internal and published modifications).

NM_004187.5(KDM5C):c.*133T>A

Gene: KDM5C (lysine demethylase 5C; minus strand). Cytogenetic location: Xp11.22.
Variant type: single nucleotide variant.
Coding change: c.*133T>A on transcript NM_004187.5 (MANE Select); 133 bases downstream of the stop codon, T replaced by A.
Molecular consequence: 3 prime UTR variant. On other transcripts: synonymous variant (1), intron variant (4).
Genome position (GRCh38, 1-based): chrX:53,192,834, A>T on the plus strand (T>A on the coding strand, the complement: KDM5C is on the minus strand). VCF-style: chrX-53192834-A-T. GRCh37 (hg19) VCF-style: chrX-53222016-A-T.
Other names: c.4050T>A, p.Pro1350= (NM_001146702.2); c.*133T>A (NM_001282622.3, NM_001353978.3); c.4305+603T>A (NM_001353982.2); c.4314+603T>A (NM_001353979.2); c.4308+603T>A (NM_001353981.2, NM_001353984.2).
Identifiers: ClinVar variation 3049335 (VCV003049335.2), dbSNP rs1348155280, ClinGen allele CA1133180835.
Genomic context (GRCh38, chrX:53,192,834, plus strand): 5'-CCCCCAGGAGCTGAGGTCTGAACAATACCTTGGAGTCAGAATACAAAAGTCAAGGGACTC[A>T]GGGGTGGGCGGGTAGCAGGGATGGCCACCCCCCTACCCGCCCACCCCCCAAGAAGCAGGC-3'